The following is an entry in ClinVar:

ClinVar aggregate classification (germline): Uncertain significance (1 of 4 stars; one submission).

Conditions:
Neurofibromatosis, type 1 (NF1). Also called: NEUROFIBROMATOSIS, TYPE I, SOMATIC; VON RECKLINGHAUSEN DISEASE; Peripheral type neurofibromatosis; Neurofibromatosis, type I. Identifiers: Orphanet 636, MedGen C0027831, MONDO:0018975, OMIM 162200. Disease mechanism: loss of function.

Submission:

Labcorp Genetics (formerly Invitae), Labcorp
Classification: Uncertain significance for Neurofibromatosis, type 1. Last evaluated: 2025-04-27. Review status: criteria provided, single submitter. Criteria: Invitae Variant Classification Sherloc (09022015). Collection method: clinical testing. Allele origin: germline.
Comment: This variant, c.6449_6478del, results in the deletion of 10 amino acid(s) of the NF1 protein (p.Lys2150_Ser2159del), but otherwise preserves the integrity of the reading frame. This variant is not present in population databases (gnomAD no frequency). This variant has not been reported in the literature in individuals affected with NF1-related conditions. Experimental studies and prediction algorithms are not available or were not evaluated, and the functional significance of this variant is currently unknown. In summary, the available evidence is currently insufficient to determine the role of this variant in disease. Therefore, it has been classified as a Variant of Uncertain Significance.

NM_001042492.3(NF1):c.6512_6541del (p.Lys2171_Ser2180del)

Gene: NF1 (neurofibromin 1; plus strand). Cytogenetic location: 17q11.2.
Variant type: Deletion.
Coding change: c.6512_6541del on transcript NM_001042492.3 (MANE Select); coding-DNA positions 6512 to 6541, 30 bases deleted (AGTCAGCTGCTGTCATTGCCTTCCGTTCCA).
Protein change: p.Lys2171_Ser2180del.
Molecular consequence: inframe deletion.
Genome position (GRCh38, 1-based): chr17:31,337,452-31,337,481, AGTCAGCTGCTGTCATTGCCTTCCGTTCCA deleted; deleting any 30 consecutive bases within chr17:31,337,450-31,337,481 gives the same sequence; the c. name uses the placement nearest the transcript's 3' end. VCF-style (leftmost placement, unchanged base first): chr17-31337449-TCAAGTCAGCTGCTGTCATTGCCTTCCGTTC-T. GRCh37 (hg19) VCF-style: chr17-29664467-TCAAGTCAGCTGCTGTCATTGCCTTCCGTTC-T.
Other names: c.6449_6478del, p.Lys2150_Ser2159del (NM_000267.4).
Identifiers: ClinVar variation 4718376 (VCV004718376.1).